The following is an entry in ClinVar:

NM_000135.4(FANCA):c.95G>T (p.Arg32Met)

Gene: FANCA (FA complementation group A; minus strand). Cytogenetic location: 16q24.3.
Variant type: single nucleotide variant.
Coding change: c.95G>T on transcript NM_000135.4 (MANE Select); coding-DNA position 95, G replaced by T.
Protein change: p.Arg32Met; replaces arginine 32 with methionine.
Molecular consequence: missense variant.
Genome position (GRCh38, 1-based): chr16:89,815,971, C>A on the plus strand (G>T on the coding strand, the complement: FANCA is on the minus strand). VCF-style: chr16-89815971-C-A. GRCh37 (hg19) VCF-style: chr16-89882379-C-A.
Other names: c.95G>T, p.Arg32Met (NM_001018112.3, NM_001286167.3, NM_001351830.2); short protein forms R32M.
Identifiers: ClinVar variation 4067986 (VCV004067986.2).

ClinVar aggregate classification (germline): Uncertain significance. Review status: criteria provided, single submitter (1 of 4 stars). 2 submissions from 2 submitters: Uncertain significance (1). 1 of the submissions does not count toward it. Last evaluated 2025-07-24.

Conditions:
Inborn genetic diseases. Identifiers: MedGen C0950123, MeSH D030342.
Fanconi anemia (FA). Also called: Fanconi's anemia. Identifiers: Orphanet 84, MedGen C0015625, MeSH D005199, MONDO:0019391.

Submissions (2):

Ambry Genetics
Classification: Uncertain significance for Inborn genetic diseases. Last evaluated: 2025-07-24. Review status: criteria provided, single submitter. Criteria: Ambry Variant Classification Scheme 2023. Collection method: clinical testing. Allele origin: germline.
Comment: The p.R32M variant (also known as c.95G>T), located in coding exon 2 of the FANCA gene, results from a G to T substitution at nucleotide position 95. The arginine at codon 32 is replaced by methionine, an amino acid with similar properties. This amino acid position is conserved. In addition, this alteration is predicted to be tolerated by in silico analysis. Based on the available evidence, the clinical significance of this variant remains unclear.

Natera, Inc.
Classification: Uncertain significance for Fanconi anemia. Last evaluated: 2025-03-03. Review status: no assertion criteria provided. Collection method: clinical testing. Allele origin: germline. Not counted in ClinVar's aggregate classification.